The following is an entry in ClinVar:

NM_003611.3(OFD1):c.1412G>C (p.Arg471Pro)

Gene: OFD1 (OFD1 centriole and centriolar satellite protein; plus strand). Cytogenetic location: Xp22.2.
Variant type: single nucleotide variant.
Coding change: c.1412G>C on transcript NM_003611.3 (MANE Select); coding-DNA position 1412, G replaced by C.
Protein change: p.Arg471Pro; replaces arginine 471 with proline.
Molecular consequence: missense variant.
Genome position (GRCh38, 1-based): chrX:13,757,660, G>C. VCF-style: chrX-13757660-G-C. GRCh37 (hg19) VCF-style: chrX-13775779-G-C.
Other names: c.1412G>C (NM_003611.2); c.1292G>C, p.Arg431Pro (NM_001330209.2); c.992G>C, p.Arg331Pro (NM_001330210.2); short protein forms R431P, R331P, R471P.
Identifiers: ClinVar variation 2189202 (VCV002189202.5), dbSNP rs750027230, ClinGen allele CA10351820.
Genomic context (GRCh38, chrX:13,757,660, plus strand): 5'-AAATAAGAAAACTTAAGGTTGGTAATGACTAGGATTTTTTTTTTTTTTTTACCTTCTTAG[G>C]CCTAGCTCAGCCGGCTCCTGAACTTGCAGTCTTTCAGAAAGAACTACGGAAAGCCGAAAA-3'
Protein context (NP_003602.1, residues 461-481): SRNENLRLLN[Arg471Pro]LAQPAPELAV

ClinVar aggregate classification (germline): Uncertain significance. Review status: criteria provided, multiple submitters, no conflicts (2 of 4 stars). 2 submissions from 2 submitters: Uncertain significance (2). Last evaluated 2024-09-11.

Conditions:
Joubert syndrome. Also called: CEREBELLOPARENCHYMAL DISORDER IV; JOUBERT-BOLTSHAUSER SYNDROME; Familial aplasia of the vermis. Identifiers: Orphanet 475, MedGen C5979921, MONDO:0018772.
Orofaciodigital syndrome I (OFD1). Also called: OFDS I; Papillon-Leage and Psaume Syndrome; Oral-Facial-Digital Syndrome Type I. Identifiers: Orphanet 2750, MedGen C1510460, MONDO:0010702, OMIM 311200.
OFD1-related disorder. Also called: OFD1-related condition.

Allele frequency attached by ClinVar (database versions not stated): gnomAD exomes below 0.00001; ExAC 0.00001; gnomAD 0.00001.
gnomAD v4.1: 2 of 1,201,974 alleles (0.00017%); highest among the groups gnomAD compares: Non-Finnish European, 0.00022%; no homozygotes.

Submissions (2):

Labcorp Genetics (formerly Invitae), Labcorp
Classification: Uncertain significance for Orofaciodigital syndrome I; Joubert syndrome. Last evaluated: 2024-09-11. Review status: criteria provided, single submitter. Criteria: Invitae Variant Classification Sherloc (09022015). Collection method: clinical testing. Allele origin: germline.
Comment: This sequence change replaces arginine, which is basic and polar, with proline, which is neutral and non-polar, at codon 471 of the OFD1 protein (p.Arg471Pro). This variant is present in population databases (rs750027230, gnomAD 0.003%). This variant has not been reported in the literature in individuals affected with OFD1-related conditions. ClinVar contains an entry for this variant (Variation ID: 2189202). An algorithm developed to predict the effect of missense changes on protein structure and function (PolyPhen-2) suggests that this variant is likely to be disruptive. In summary, the available evidence is currently insufficient to determine the role of this variant in disease. Therefore, it has been classified as a Variant of Uncertain Significance.

PreventionGenetics, part of Exact Sciences
Classification: Uncertain significance for OFD1-related condition. Last evaluated: 2022-11-23. Review status: criteria provided, single submitter. Criteria: ACMG Guidelines, 2015. Collection method: clinical testing. Allele origin: germline.
Comment: The OFD1 c.1412G>C variant is predicted to result in the amino acid substitution p.Arg471Pro. To our knowledge, this variant has not been reported in the literature. This variant is reported in 0.010% of alleles in individuals of European (Non-Finnish) descent in gnomAD. At this time, the clinical significance of this variant is uncertain due to the absence of conclusive functional and genetic evidence.